The following is an entry in ClinVar:

NM_007078.3(LDB3):c.1835A>T (p.Lys612Met)

Gene: LDB3 (LIM domain binding 3; plus strand). Cytogenetic location: 10q23.2.
Variant type: single nucleotide variant.
Coding change: c.1835A>T on transcript NM_007078.3 (MANE Select); coding-DNA position 1835, A replaced by T.
Protein change: p.Lys612Met; replaces lysine 612 with methionine.
Molecular consequence: missense variant.
Genome position (GRCh38, 1-based): chr10:86,718,122, A>T. VCF-style: chr10-86718122-A-T. GRCh37 (hg19) VCF-style: chr10-88477879-A-T.
Other names: c.1505A>T, p.Lys502Met (NM_001080114.2); c.1850A>T, p.Lys617Met (NM_001171610.2); c.1646A>T, p.Lys549Met (NM_001368064.1, NM_001368065.1); c.1694A>T, p.Lys565Met (NM_001368066.1); short protein forms K617M, K502M, K549M, K565M, K612M.
Identifiers: ClinVar variation 2115124 (VCV002115124.4), dbSNP rs2492816750, ClinGen allele CA377452703.

ClinVar aggregate classification (germline): Uncertain significance (1 of 4 stars; one submission).

Conditions:
Myofibrillar myopathy 4. Also called: Zaspopathy (type). Identifiers: Orphanet 98912, MedGen C4721886, MONDO:0012277, OMIM 609452.

Submission:

Labcorp Genetics (formerly Invitae), Labcorp
Classification: Uncertain significance for Myofibrillar myopathy 4. Last evaluated: 2023-08-04. Review status: criteria provided, single submitter. Criteria: Invitae Variant Classification Sherloc (09022015). Collection method: clinical testing. Allele origin: germline.
Comment: The LDB3 gene has multiple clinically relevant transcripts. This variant occurs in alternate transcript NM_007078.3, and corresponds to NM_001080116.1:c.*18748A>T in the primary transcript. This sequence change replaces lysine, which is basic and polar, with methionine, which is neutral and non-polar, at codon 612 of the LDB3 protein (p.Lys612Met). This variant is not present in population databases (gnomAD no frequency). This variant has not been reported in the literature in individuals affected with LDB3-related conditions. Experimental studies and prediction algorithms are not available or were not evaluated, and the functional significance of this variant is currently unknown. In summary, the available evidence is currently insufficient to determine the role of this variant in disease. Therefore, it has been classified as a Variant of Uncertain Significance.